The following is an entry in ClinVar:

NM_000435.3(NOTCH3):c.391G>A (p.Gly131Ser)

Gene: NOTCH3 (notch receptor 3; minus strand). Cytogenetic location: 19p13.12.
Variant type: single nucleotide variant.
Coding change: c.391G>A on transcript NM_000435.3 (MANE Select); coding-DNA position 391, G replaced by A.
Protein change: p.Gly131Ser; replaces glycine 131 with serine.
Molecular consequence: missense variant.
Genome position (GRCh38, 1-based): chr19:15,192,248, C>T on the plus strand (G>A on the coding strand, the complement: NOTCH3 is on the minus strand). VCF-style: chr19-15192248-C-T. GRCh37 (hg19) VCF-style: chr19-15303059-C-T.
Other names: short protein forms G131S.
Identifiers: ClinVar variation 870874 (VCV000870874.53), dbSNP rs767150916, ClinGen allele CA9263896.

ClinVar aggregate classification (germline): Conflicting classifications of pathogenicity. Review status: criteria provided, conflicting classifications (1 of 4 stars). 5 submissions from 5 submitters: Uncertain significance (3); Likely benign (1). 1 of the submissions does not count toward it. Last evaluated 2022-07-05.

Conditions:
Cerebral arteriopathy, autosomal dominant, with subcortical infarcts and leukoencephalopathy, type 1 (CADASIL1). Also called: CADASIL 1; CASIL; Cerebral arteriopathy with subcortical infarcts and leukoencephalopathy 1; DEMENTIA, HEREDITARY MULTIINFARCT TYPE. Identifiers: Orphanet 136, MedGen C4551768, MONDO:0000914, OMIM 125310.
NOTCH3-related disorder. Also called: NOTCH3-related condition; NOTCH3-related disorders.

Allele frequency attached by ClinVar (database versions not stated): TOPMed 0.00001.
gnomAD v4.1: 16 of 1,602,680 alleles (0.001%); highest among the groups gnomAD compares: Middle Eastern, 0.016%; no homozygotes.

Submissions (5):

Athena Diagnostics
Classification: Uncertain significance. Last evaluated: 2022-07-05. Review status: criteria provided, single submitter. Criteria: Athena Diagnostics Criteria. Collection method: clinical testing. Allele origin: unknown.
Comment: Available data are insufficient to determine the clinical significance of the variant at this time. The frequency of this variant in the general population is uninformative in assessment of its pathogenicity. Computational tools disagree on the variant's effect on normal protein function. This variant has been seen where an alternate explanation for disease was also identified, suggesting this variant may not cause disease. Greater than 90% of NOTCH3 pathogenic variants associated with CADASIL involve the gain or loss of a cysteine residue within the epidermal growth factor (EGF)-like repeat domain (PMID: 32457593, 20301673).

Labcorp Genetics (formerly Invitae), Labcorp
Classification: Uncertain significance. Last evaluated: 2022-01-11. Review status: criteria provided, single submitter. Criteria: Invitae Variant Classification Sherloc (09022015). Collection method: clinical testing. Allele origin: germline.
Comment: In summary, the available evidence is currently insufficient to determine the role of this variant in disease. Therefore, it has been classified as a Variant of Uncertain Significance. Algorithms developed to predict the effect of sequence changes on RNA splicing suggest that this variant may create or strengthen a splice site. Advanced modeling of protein sequence and biophysical properties (such as structural, functional, and spatial information, amino acid conservation, physicochemical variation, residue mobility, and thermodynamic stability) performed at Invitae indicates that this missense variant is not expected to disrupt NOTCH3 protein function. ClinVar contains an entry for this variant (Variation ID: 870874). This variant has not been reported in the literature in individuals affected with NOTCH3-related conditions. This variant is present in population databases (rs767150916, gnomAD 0.005%). This sequence change replaces glycine, which is neutral and non-polar, with serine, which is neutral and polar, at codon 131 of the NOTCH3 protein (p.Gly131Ser).

Laboratory of Medical Genetics, National & Kapodistrian University of Athens
Classification: Uncertain significance for Cerebral arteriopathy, autosomal dominant, with subcortical infarcts and leukoencephalopathy, type 1. Last evaluated: 2021-10-06. Review status: criteria provided, single submitter. Criteria: ACMG Guidelines, 2015. Collection method: clinical testing. Allele origin: maternal.
Comment: PM2, PP2, PP3

CeGaT Center for Human Genetics Tuebingen
Classification: Likely benign. Last evaluated: 2020-03-01. Review status: criteria provided, single submitter. Criteria: CeGaT Center For Human Genetics Tuebingen Variant Classification Criteria Version 2. Collection method: clinical testing. Allele origin: germline. Affected: yes. Observed: 2 variant alleles.

PreventionGenetics, part of Exact Sciences
Classification: Uncertain significance for NOTCH3-related condition. Last evaluated: 2023-11-17. Review status: no assertion criteria provided. Collection method: clinical testing. Allele origin: germline. Not counted in ClinVar's aggregate classification.
Comment: The NOTCH3 c.391G>A variant is predicted to result in the amino acid substitution p.Gly131Ser. This variant was reported in an individual with cerebral arteriopathy with subcortical infarcts & leukoencephalopathy (CADASIL) (Table S3, Marinakis et al. 2021. PubMed ID: 34008892) and was classified as likely pathogenic. Different missense variants impacting the same amino acid residue (p.Gly131Arg, p.Gly131Cys) have also been reported in individuals with CADASIL phenotypes (Table S2, Zhang et al. 2022. PubMed ID: 36047879; Ungaro et al. 2009. PubMed ID: 19006080; Chang et al. 2023. PubMed ID: 36580209), however some reports interpret these variants as uncertain. In ClinVar, the p.Gly131Ser variant is interpreted as uncertain and likely benign by multiple laboratories. This variant is reported in 0.0045% of alleles in individuals of African descent in gnomAD. At this time, the clinical significance of this variant is uncertain due to the absence of conclusive functional and genetic evidence.

Literature cited by the submitters: PubMed 33942994 (cited by Athena Diagnostics).